The following is an entry in ClinVar:

ClinVar aggregate classification (germline): Uncertain significance (1 of 4 stars; one submission).

Conditions:
Familial cold autoinflammatory syndrome 3 (FCAS3). Also called: FAMILIAL ATYPICAL COLD URTICARIA; ANTIBODY DEFICIENCY AND IMMUNE DYSREGULATION, PLCG2-ASSOCIATED. Identifiers: Orphanet 300359, MedGen C3280914, MONDO:0013766, OMIM 614468.

Submission:

Labcorp Genetics (formerly Invitae), Labcorp
Classification: Uncertain significance for Familial cold autoinflammatory syndrome 3. Last evaluated: 2023-09-29. Review status: criteria provided, single submitter. Criteria: Invitae Variant Classification Sherloc (09022015). Collection method: clinical testing. Allele origin: germline.
Comment: This sequence change replaces threonine, which is neutral and polar, with lysine, which is basic and polar, at codon 554 of the PLCG2 protein (p.Thr554Lys). This variant is not present in population databases (gnomAD no frequency). This variant has not been reported in the literature in individuals affected with PLCG2-related conditions. An algorithm developed to predict the effect of missense changes on protein structure and function (PolyPhen-2) suggests that this variant is likely to be tolerated. In summary, the available evidence is currently insufficient to determine the role of this variant in disease. Therefore, it has been classified as a Variant of Uncertain Significance.

NM_002661.5(PLCG2):c.1661C>A (p.Thr554Lys)

Gene: PLCG2 (phospholipase C gamma 2; plus strand). Cytogenetic location: 16q23.3.
Variant type: single nucleotide variant.
Coding change: c.1661C>A on transcript NM_002661.5 (MANE Select); coding-DNA position 1661, C replaced by A.
Protein change: p.Thr554Lys; replaces threonine 554 with lysine.
Molecular consequence: missense variant.
Genome position (GRCh38, 1-based): chr16:81,908,519, C>A. VCF-style: chr16-81908519-C-A. GRCh37 (hg19) VCF-style: chr16-81942124-C-A.
Other names: c.1661C>A, p.Thr554Lys (NM_001425749.1, NM_001425750.1, NM_001425751.1); short protein forms T554K.
Identifiers: ClinVar variation 2752387 (VCV002752387.3), dbSNP rs781434235, ClinGen allele CA285151227.